The following is an entry in ClinVar:

ClinVar aggregate classification (germline): Uncertain significance. Review status: criteria provided, multiple submitters, no conflicts (2 of 4 stars). 2 submissions from 2 submitters: Uncertain significance (2). Last evaluated 2019-01-29.

Conditions:
Hereditary cancer-predisposing syndrome. Also called: Neoplastic Syndromes, Hereditary; Tumor predisposition; Hereditary Cancer Syndrome; Hereditary neoplastic syndrome. Identifiers: Orphanet 140162, MedGen C0027672, MeSH D009386, MONDO:0015356.
Ataxia-telangiectasia-like disorder (ATLD). Identifiers: MedGen C1858391, MONDO:0011457.

Submissions (2):

Labcorp Genetics (formerly Invitae), Labcorp
Classification: Uncertain significance for Ataxia-telangiectasia-like disorder. Last evaluated: 2019-01-29. Review status: criteria provided, single submitter. Criteria: Invitae Variant Classification Sherloc (09022015). Collection method: clinical testing. Allele origin: germline.
Comment: This variant is not present in population databases (ExAC no frequency). This sequence change replaces glycine with glutamic acid at codon 588 of the MRE11 protein (p.Gly588Glu). The glycine residue is moderately conserved and there is a moderate physicochemical difference between glycine and glutamic acid. In summary, the available evidence is currently insufficient to determine the role of this variant in disease. Therefore, it has been classified as a Variant of Uncertain Significance. Algorithms developed to predict the effect of missense changes on protein structure and function (SIFT, PolyPhen-2, Align-GVGD) all suggest that this variant is likely to be tolerated, but these predictions have not been confirmed by published functional studies and their clinical significance is uncertain. This variant has not been reported in the literature in individuals with MRE11-related conditions. ClinVar contains an entry for this variant (Variation ID: 483622).

Ambry Genetics
Classification: Uncertain significance for Hereditary cancer-predisposing syndrome. Last evaluated: 2016-06-14. Review status: criteria provided, single submitter. Criteria: Ambry Variant Classification Scheme 2023. Collection method: clinical testing. Allele origin: germline.
Comment: The p.G588E variant (also known as c.1763G>A), located in coding exon 14 of the MRE11A gene, results from a G to A substitution at nucleotide position 1763. The glycine at codon 588 is replaced by glutamic acid, an amino acid with similar properties. This variant was not reported in population based cohorts in the following databases: Database of Single Nucleotide Polymorphisms (dbSNP), NHLBI Exome Sequencing Project (ESP), and 1000 Genomes Project. In the ESP, this variant was not observed in 6499 samples (12998 alleles) with coverage at this position. To date, this alteration has been detected with an allele frequency of approximately 0.001% (greater than 175000alleles tested) in our clinical cohort. This amino acid position is well conserved in available vertebrate species. In addition, this alteration is predicted to be tolerated by in silico analysis. Since supporting evidence is limited at this time, the clinical significance of this alteration remains unclear.

NM_005591.4(MRE11):c.1763G>A (p.Gly588Glu)

Gene: MRE11 (MRE11 double strand break repair nuclease; minus strand). Cytogenetic location: 11q21.
Variant type: single nucleotide variant.
Coding change: c.1763G>A on transcript NM_005591.4 (MANE Select); coding-DNA position 1763, G replaced by A.
Protein change: p.Gly588Glu; replaces glycine 588 with glutamic acid.
Molecular consequence: missense variant.
Genome position (GRCh38, 1-based): chr11:94,447,239, C>T on the plus strand (G>A on the coding strand, the complement: MRE11 is on the minus strand). VCF-style: chr11-94447239-C-T. GRCh37 (hg19) VCF-style: chr11-94180405-C-T.
Other names: c.1763G>A, p.Gly588Glu (NM_001330347.2, NM_005590.4); short protein forms G588E.
Identifiers: ClinVar variation 483622 (VCV000483622.15), dbSNP rs760676667, ClinGen allele CA382368089.